The following is an entry in ClinVar:

ClinVar aggregate classification (germline): Uncertain significance (1 of 4 stars; one submission).

Submission:

Ambry Genetics
Classification: Uncertain significance. Last evaluated: 2025-02-18. Review status: criteria provided, single submitter. Criteria: Ambry Variant Classification Scheme 2023. Collection method: clinical testing. Allele origin: germline.
Comment: The p.R113P variant (also known as c.338G>C), located in coding exon 2 of the RNF43 gene, results from a G to C substitution at nucleotide position 338. The arginine at codon 113 is replaced by proline, an amino acid with dissimilar properties. This amino acid position is conserved. In addition, this alteration is predicted to be tolerated by in silico analysis. Based on the available evidence, the clinical significance of this variant remains unclear.

NM_017763.6(RNF43):c.338G>C (p.Arg113Pro)

Gene: RNF43 (ring finger protein 43; minus strand). Cytogenetic location: 17q22.
Variant type: single nucleotide variant.
Coding change: c.338G>C on transcript NM_017763.6 (MANE Select); coding-DNA position 338, G replaced by C.
Protein change: p.Arg113Pro; replaces arginine 113 with proline.
Molecular consequence: missense variant.
Genome position (GRCh38, 1-based): chr17:58,370,948, C>G on the plus strand (G>C on the coding strand, the complement: RNF43 is on the minus strand). VCF-style: chr17-58370948-C-G. GRCh37 (hg19) VCF-style: chr17-56448309-C-G.
Other names: c.338G>C, p.Arg113Pro (NM_001305544.3); c.-44G>C (NM_001305545.2); short protein forms R113P.
Identifiers: ClinVar variation 3789949 (VCV003789949.1).